The following is an entry in ClinVar:

ClinVar aggregate classification (germline): Uncertain significance (1 of 4 stars; one submission).

Conditions:
Hereditary cancer-predisposing syndrome. Also called: Neoplastic Syndromes, Hereditary; Tumor predisposition; Hereditary Cancer Syndrome; Hereditary neoplastic syndrome. Identifiers: Orphanet 140162, MedGen C0027672, MeSH D009386, MONDO:0015356.

Submission:

Ambry Genetics
Classification: Uncertain significance for Hereditary cancer-predisposing syndrome. Last evaluated: 2021-03-26. Review status: criteria provided, single submitter. Criteria: Ambry Variant Classification Scheme 2023. Collection method: clinical testing. Allele origin: germline.
Comment: The p.I355M variant (also known as c.1065A>G), located in coding exon 7 of the DICER1 gene, results from an A to G substitution at nucleotide position 1065. The isoleucine at codon 355 is replaced by methionine, an amino acid with highly similar properties. This amino acid position is well conserved in available vertebrate species. In addition, this alteration is predicted to be tolerated by in silico analysis. Since supporting evidence is limited at this time, the clinical significance of this alteration remains unclear.

NM_177438.3(DICER1):c.1065A>G (p.Ile355Met)

Gene: DICER1 (dicer 1, ribonuclease III; minus strand). Cytogenetic location: 14q32.13.
Variant type: single nucleotide variant.
Coding change: c.1065A>G on transcript NM_177438.3 (MANE Select); coding-DNA position 1065, A replaced by G.
Protein change: p.Ile355Met; replaces isoleucine 355 with methionine.
Molecular consequence: missense variant. On other transcripts: 5 prime UTR variant (1), non-coding transcript variant (6).
Genome position (GRCh38, 1-based): chr14:95,124,507, T>C on the plus strand (A>G on the coding strand, the complement: DICER1 is on the minus strand). VCF-style: chr14-95124507-T-C. GRCh37 (hg19) VCF-style: chr14-95590844-T-C.
Other names: c.1065A>G, p.Ile355Met (NM_001395693.1, NM_001395694.1, NM_001395695.1 and 15 more transcripts); c.660A>G, p.Ile220Met (NM_001395696.1, NM_001395687.1, NM_001395688.1 and 3 more transcripts); c.-504A>G (NM_001395697.1); c.783A>G, p.Ile261Met (NM_001395686.1); c.498A>G, p.Ile166Met (NM_001395691.1); short protein forms I261M, I166M, I220M, I355M.
Identifiers: ClinVar variation 1781458 (VCV001781458.2), dbSNP rs2543182453, ClinGen allele CA390887036.